The following is an entry in ClinVar:

ClinVar aggregate classification (germline): Uncertain significance (1 of 4 stars; one submission).

Conditions:
Familial hypocalciuric hypercalcemia (FHH). Also called: Familial benign hypercalcemia. Identifiers: Orphanet 405, MedGen C1809471, MONDO:0018458.
Autosomal dominant hypocalcemia 1 (HYPOC1). Also called: HYPOCALCEMIA, FAMILIAL. Identifiers: MedGen C3715128, MONDO:0011013, OMIM 601198.

Allele frequency attached by ClinVar (database versions not stated): gnomAD exomes below 0.00001.
gnomAD v4.1: 3 of 1,614,152 alleles (0.00019%); highest among the groups gnomAD compares: Non-Finnish European, 0.00017%; no homozygotes.

Submission:

Labcorp Genetics (formerly Invitae), Labcorp
Classification: Uncertain significance for Familial hypocalciuric hypercalcemia; Autosomal dominant hypocalcemia 1. Last evaluated: 2022-05-16. Review status: criteria provided, single submitter. Criteria: Invitae Variant Classification Sherloc (09022015). Collection method: clinical testing. Allele origin: germline.
Comment: In summary, the available evidence is currently insufficient to determine the role of this variant in disease. Therefore, it has been classified as a Variant of Uncertain Significance. Algorithms developed to predict the effect of missense changes on protein structure and function (SIFT, PolyPhen-2, Align-GVGD) all suggest that this variant is likely to be tolerated. This variant has not been reported in the literature in individuals affected with CASR-related conditions. This variant is not present in population databases (gnomAD no frequency). This sequence change replaces serine, which is neutral and polar, with threonine, which is neutral and polar, at codon 132 of the CASR protein (p.Ser132Thr).

NM_000388.4(CASR):c.394T>A (p.Ser132Thr)

Gene: CASR (calcium sensing receptor; plus strand). Cytogenetic location: 3q21.1.
Variant type: single nucleotide variant.
Coding change: c.394T>A on transcript NM_000388.4 (MANE Select); coding-DNA position 394, T replaced by A.
Protein change: p.Ser132Thr; replaces serine 132 with threonine.
Molecular consequence: missense variant.
Genome position (GRCh38, 1-based): chr3:122,257,289, T>A. VCF-style: chr3-122257289-T-A. GRCh37 (hg19) VCF-style: chr3-121976136-T-A.
Other names: c.394T>A, p.Ser132Thr (NM_001178065.2); short protein forms S132T.
Identifiers: ClinVar variation 2416092 (VCV002416092.7), dbSNP rs2473214916, ClinGen allele CA354362809.